The following is an entry in ClinVar:

ClinVar aggregate classification (germline): Uncertain significance (1 of 4 stars; one submission).

gnomAD v4.1: 5 of 1,589,576 alleles (0.00031%); highest among the groups gnomAD compares: African/African-American, 0.0013%; no homozygotes.

Submission:

Labcorp Genetics (formerly Invitae), Labcorp
Classification: Uncertain significance. Last evaluated: 2025-08-26. Review status: criteria provided, single submitter. Criteria: Invitae Variant Classification Sherloc (09022015). Collection method: clinical testing. Allele origin: germline.
Comment: This sequence change replaces leucine, which is neutral and non-polar, with valine, which is neutral and non-polar, at codon 12 of the LEMD3 protein (p.Leu12Val). This variant is present in population databases (no rsID available, gnomAD 0.007%). This variant has not been reported in the literature in individuals affected with LEMD3-related conditions. Invitae Evidence Modeling of protein sequence and biophysical properties (such as structural, functional, and spatial information, amino acid conservation, physicochemical variation, residue mobility, and thermodynamic stability) indicates that this missense variant is expected to disrupt LEMD3 protein function with a positive predictive value of 80%. In summary, the available evidence is currently insufficient to determine the role of this variant in disease. Therefore, it has been classified as a Variant of Uncertain Significance.

NM_014319.5(LEMD3):c.34C>G (p.Leu12Val)

Gene: LEMD3 (LEM domain containing 3; plus strand). Cytogenetic location: 12q14.3.
Variant type: single nucleotide variant.
Coding change: c.34C>G on transcript NM_014319.5 (MANE Select); coding-DNA position 34, C replaced by G.
Protein change: p.Leu12Val; replaces leucine 12 with valine.
Molecular consequence: missense variant.
Genome position (GRCh38, 1-based): chr12:65,169,630, C>G. VCF-style: chr12-65169630-C-G. GRCh37 (hg19) VCF-style: chr12-65563410-C-G.
Other names: c.34C>G, p.Leu12Val (NM_001167614.2); short protein forms L12V.
Identifiers: ClinVar variation 4768021 (VCV004768021.1).